The following is an entry in ClinVar:

NM_001174147.2(LMX1B):c.683C>T (p.Thr228Met)

Gene: LMX1B (LIM homeobox transcription factor 1 beta; plus strand). Cytogenetic location: 9q33.3.
Variant type: single nucleotide variant.
Coding change: c.683C>T on transcript NM_001174147.2 (MANE Select); coding-DNA position 683, C replaced by T.
Protein change: p.Thr228Met; replaces threonine 228 with methionine.
Molecular consequence: missense variant.
Genome position (GRCh38, 1-based): chr9:126,693,265, C>T. VCF-style: chr9-126693265-C-T. GRCh37 (hg19) VCF-style: chr9-129455544-C-T.
Other names: c.683C>T, p.Thr228Met (NM_001174146.2, NM_002316.4); short protein forms T228M.
Identifiers: ClinVar variation 3339955 (VCV003339955.1).

ClinVar aggregate classification (germline): Uncertain significance (1 of 4 stars; one submission).

gnomAD v4.1: 12 of 1,611,722 alleles (0.00074%); highest among the groups gnomAD compares: African/African-American, 0.0027%; no homozygotes.

Submission:

Women's Health and Genetics/Laboratory Corporation of America, LabCorp
Classification: Uncertain significance. Last evaluated: 2024-06-19. Review status: criteria provided, single submitter. Criteria: LabCorp Variant Classification Summary - May 2015. Collection method: clinical testing. Allele origin: germline.
Comment: Variant summary: LMX1B c.683C>T (p.Thr228Met) results in a non-conservative amino acid change located in the Homeodomain (IPR001356) of the encoded protein sequence. Four of four in-silico tools predict a damaging effect of the variant on protein function. The variant allele was found at a frequency of 8.1e-06 in 245632 control chromosomes. The available data on variant occurrences in the general population are insufficient to allow any conclusion about variant significance. To our knowledge, no occurrence of c.683C>T in individuals affected with Nail Patella Syndrome and no experimental evidence demonstrating its impact on protein function have been reported. No submitters have cited clinical-significance assessments for this variant to ClinVar. Based on the evidence outlined above, the variant was classified as uncertain significance.